The following is an entry in ClinVar:

ClinVar aggregate classification (germline): Uncertain significance (1 of 4 stars; one submission).

Submission:

Labcorp Genetics (formerly Invitae), Labcorp
Classification: Uncertain significance. Last evaluated: 2025-02-10. Review status: criteria provided, single submitter. Criteria: Invitae Variant Classification Sherloc (09022015). Collection method: clinical testing. Allele origin: germline.
Comment: This sequence change replaces glycine, which is neutral and non-polar, with arginine, which is basic and polar, at codon 987 of the DSG1 protein (p.Gly987Arg). This variant is present in population databases (rs748297994, gnomAD 0.003%). This variant has not been reported in the literature in individuals affected with DSG1-related conditions. An algorithm developed to predict the effect of missense changes on protein structure and function (PolyPhen-2) suggests that this variant is likely to be disruptive. In summary, the available evidence is currently insufficient to determine the role of this variant in disease. Therefore, it has been classified as a Variant of Uncertain Significance.

NM_001942.4(DSG1):c.2959G>A (p.Gly987Arg)

Genes: DSG1 (desmoglein 1; plus strand), DSG1-AS1 (DSG1 antisense RNA 1; minus strand). Cytogenetic location: 18q12.1.
Variant type: single nucleotide variant.
Coding change: c.2959G>A on transcript NM_001942.4 (MANE Select); coding-DNA position 2959, G replaced by A.
Protein change: p.Gly987Arg; replaces glycine 987 with arginine.
Molecular consequence: missense variant.
Genome position (GRCh38, 1-based): chr18:31,355,155, G>A. VCF-style: chr18-31355155-G-A. GRCh37 (hg19) VCF-style: chr18-28935118-G-A.
Other names: short protein forms G987R.
Identifiers: ClinVar variation 3676955 (VCV003676955.2).